The following is an entry in ClinVar:

ClinVar aggregate classification (germline): Likely pathogenic (1 of 4 stars; one submission).

Conditions:
NPHP3-related disorder. Also called: NPHP3-related condition; NPHP3-related disorders. Identifiers: MedGen CN379163.

Submission:

PreventionGenetics, part of Exact Sciences
Classification: Likely pathogenic for NPHP3-related condition. Last evaluated: 2026-01-26. Review status: criteria provided, single submitter. Criteria: ACMG Guidelines, 2015. Collection method: clinical testing. Allele origin: germline.
Comment: The NPHP3 c.1236_1239delTGAT variant is predicted to result in a frameshift and premature protein termination (p.Asp413Lysfs*5). To our knowledge, this variant has not been reported in the literature or in a large population database (gnomAD), indicating this variant is rare. Frameshift variants in NPHP3 are expected to be pathogenic. This variant is interpreted as likely pathogenic.

NM_153240.5(NPHP3):c.1236_1239del (p.Asp413fs)

Genes: NPHP3 (nephrocystin 3; minus strand), NPHP3-ACAD11 (NPHP3-ACAD11 readthrough (NMD candidate); minus strand). Cytogenetic location: 3q22.1.
Variant type: Microsatellite.
Coding change: c.1236_1239del on transcript NM_153240.5 (MANE Select); coding-DNA positions 1236 to 1239, 4 bases deleted (TGAT; older notation c.1236_1239delTGAT).
Protein change: p.Asp413fs; shifts the reading frame from aspartic acid 413.
Molecular consequence: frameshift variant. On other transcripts: non-coding transcript variant (1).
Genome position (GRCh38, 1-based): chr3:132,708,137-132,708,140, ATCA deleted on the plus strand (TGAT on the coding strand, the reverse complement: NPHP3 is on the minus strand); deleting any 4 consecutive bases within chr3:132,708,137-132,708,146 gives the same sequence; the c. name uses the placement nearest the transcript's 3' end. VCF-style (leftmost placement, unchanged base first): chr3-132708136-GATCA-G. GRCh37 (hg19) VCF-style: chr3-132426980-GATCA-G.
Other names: short protein forms D413fs.
Identifiers: ClinVar variation 4993035 (VCV004993035.1).